The following is an entry in ClinVar:

NM_014264.5(PLK4):c.1042G>A (p.Gly348Arg)

Gene: PLK4 (polo like kinase 4; plus strand). Cytogenetic location: 4q28.1.
Variant type: single nucleotide variant.
Coding change: c.1042G>A on transcript NM_014264.5 (MANE Select); coding-DNA position 1042, G replaced by A.
Protein change: p.Gly348Arg; replaces glycine 348 with arginine.
Molecular consequence: missense variant.
Genome position (GRCh38, 1-based): chr4:127,886,412, G>A. VCF-style: chr4-127886412-G-A. GRCh37 (hg19) VCF-style: chr4-128807567-G-A.
Other names: c.946G>A, p.Gly316Arg (NM_001190799.2); c.919G>A, p.Gly307Arg (NM_001190801.2); short protein forms G307R, G348R, G316R.
Identifiers: ClinVar variation 1042669 (VCV001042669.5), dbSNP rs1362864350, ClinGen allele CA358152117.
Genomic context (GRCh38, chr4:127,886,412, plus strand): 5'-AATAAAAGTTCAACTGATTTTTCTTCTTCAGGAGATGGAAACAGTTTTTATACTCAGTGG[G>A]GAAATCAAGAAACCAGTAATAGTGGAAGGGGAAGAGTAATTCAAGATGCAGAAGAAAGGC-3'
Protein context (NP_055079.3, residues 338-358): GDGNSFYTQW[Gly348Arg]NQETSNSGRG

ClinVar aggregate classification (germline): Uncertain significance (1 of 4 stars; one submission).

Allele frequency attached by ClinVar (database versions not stated): gnomAD exomes below 0.00001.

Submission:

Labcorp Genetics (formerly Invitae), Labcorp
Classification: Uncertain significance. Last evaluated: 2020-09-02. Review status: criteria provided, single submitter. Criteria: Invitae Variant Classification Sherloc (09022015). Collection method: clinical testing. Allele origin: germline.
Comment: In summary, the available evidence is currently insufficient to determine the role of this variant in disease. Therefore, it has been classified as a Variant of Uncertain Significance. Algorithms developed to predict the effect of missense changes on protein structure and function are either unavailable or do not agree on the potential impact of this missense change (SIFT: "Deleterious"; PolyPhen-2: "Probably Damaging"; Align-GVGD: "Class C0"). This variant has not been reported in the literature in individuals with PLK4-related conditions. This variant is not present in population databases (ExAC no frequency). This sequence change replaces glycine with arginine at codon 348 of the PLK4 protein (p.Gly348Arg). The glycine residue is highly conserved and there is a moderate physicochemical difference between glycine and arginine.